The following is an entry in ClinVar:

ClinVar aggregate classification (germline): Likely benign. Review status: criteria provided, multiple submitters, no conflicts (2 of 4 stars). 3 submissions from 3 submitters: Likely benign (2). 1 of the submissions does not count toward it. Last evaluated 2025-08-04.

Conditions:
LEPR-related disorder. Also called: LEPR-related disorders; LEPR-related condition.

Allele frequency attached by ClinVar (database versions not stated): gnomAD exomes 0.00001; ExAC 0.00002; TOPMed 0.00004; gnomAD 0.00005 and 0.00006; ESP Exome Variant Server 0.00008.

Submissions (3):

Labcorp Genetics (formerly Invitae), Labcorp
Classification: Likely benign. Last evaluated: 2025-08-04. Review status: criteria provided, single submitter. Criteria: Invitae Variant Classification Sherloc (09022015). Collection method: clinical testing. Allele origin: germline.

Genetic Services Laboratory, University of Chicago
Classification: Likely benign. Last evaluated: 2020-04-22. Review status: criteria provided, single submitter. Criteria: ACMG Guidelines, 2015. Collection method: clinical testing. Allele origin: germline. Affected: no.

PreventionGenetics, part of Exact Sciences
Classification: Likely benign for LEPR-related condition. Last evaluated: 2023-04-26. Review status: no assertion criteria provided. Collection method: clinical testing. Allele origin: germline. Not counted in ClinVar's aggregate classification.
Comment: This variant is classified as likely benign based on ACMG/AMP sequence variant interpretation guidelines (Richards et al. 2015 PMID: 25741868, with internal and published modifications).

NM_002303.6(LEPR):c.1038T>C (p.Ser346=)

Gene: LEPR (leptin receptor; plus strand). Cytogenetic location: 1p31.3.
Variant type: single nucleotide variant.
Coding change: c.1038T>C on transcript NM_002303.6 (MANE Select); coding-DNA position 1038, T replaced by C.
Protein change: p.Ser346=; no amino-acid change (serine 346 retained).
Molecular consequence: synonymous variant.
Genome position (GRCh38, 1-based): chr1:65,601,435, T>C. VCF-style: chr1-65601435-T-C. GRCh37 (hg19) VCF-style: chr1-66067118-T-C.
Other names: c.1038T>C, p.Ser346= (NM_001003679.3, NM_001003680.3, NM_001198687.2 and 2 more transcripts).
Identifiers: ClinVar variation 1337590 (VCV001337590.7), dbSNP rs369005802, ClinGen allele CA894716.
Genomic context (GRCh38, chr1:65,601,435, plus strand): 5'-TTCTTCCCTCATTACAGATGTCATATACTTTCCACCTAAAATTCTGACAAGTGTTGGGTC[T>C]AATGTTTCTTTTCACTGCATCTATAAGAAGGAAAACAAGATTGTTCCCTCAAAAGAGATT-3'
Protein context (NP_002294.2, residues 336-356): FPPKILTSVG[Ser346=]NVSFHCIYKK